The following is an entry in ClinVar:

ClinVar aggregate classification (germline): Likely benign. Review status: criteria provided, multiple submitters, no conflicts (2 of 4 stars). 2 submissions from 2 submitters: Likely benign (2). Last evaluated 2022-02-22.

Conditions:
Autosomal recessive limb-girdle muscular dystrophy type 2J (LGMDR10). Also called: MUSCULAR DYSTROPHY, LIMB-GIRDLE, AUTOSOMAL RECESSIVE 10; Limb-girdle muscular dystrophy, type 2J. Identifiers: Orphanet 140922, MedGen C1837342, MONDO:0012127, OMIM 608807.
Dilated cardiomyopathy 1G (CMD1G). Identifiers: Orphanet 154, MedGen C1858763, MONDO:0011400, OMIM 604145.

Submissions (2):

Labcorp Genetics (formerly Invitae), Labcorp
Classification: Likely benign for Dilated cardiomyopathy 1G; Autosomal recessive limb-girdle muscular dystrophy type 2J. Last evaluated: 2022-02-22. Review status: criteria provided, single submitter. Criteria: Invitae Variant Classification Sherloc (09022015). Collection method: clinical testing. Allele origin: germline.

GeneDx
Classification: Likely benign. Last evaluated: 2018-01-15. Review status: criteria provided, single submitter. Criteria: GeneDx Variant Classification (06012015). Collection method: clinical testing. Allele origin: germline. Affected: yes.
Comment: This variant is considered likely benign or benign based on one or more of the following criteria: it is a conservative change, it occurs at a poorly conserved position in the protein, it is predicted to be benign by multiple in silico algorithms, and/or has population frequency not consistent with disease.

NM_001267550.2(TTN):c.7458G>A (p.Lys2486=)

Genes: TTN (titin; minus strand), LOC126806433 (BRD4-independent group 4 enhancer GRCh37_chr2:179638309-179639508; plus strand). Cytogenetic location: 2q31.2.
Variant type: single nucleotide variant.
Coding change: c.7458G>A on transcript NM_001267550.2 (MANE Select); coding-DNA position 7458, G replaced by A.
Protein change: p.Lys2486=; no amino-acid change (lysine 2486 retained).
Molecular consequence: synonymous variant.
Genome position (GRCh38, 1-based): chr2:178,773,598, C>T on the plus strand (G>A on the coding strand, the complement: TTN is on the minus strand). VCF-style: chr2-178773598-C-T. GRCh37 (hg19) VCF-style: chr2-179638325-C-T.
Other names: c.7458G>A, p.Lys2486= (NM_001256850.1, NM_133378.4, NM_133379.5); c.7320G>A, p.Lys2440= (NM_003319.4, NM_133432.3, NM_133437.4).
Identifiers: ClinVar variation 514954 (VCV000514954.6), dbSNP rs1554000842, ClinGen allele CA430299753.